The following is an entry in ClinVar:

ClinVar aggregate classification (germline): Uncertain significance. Review status: criteria provided, multiple submitters, no conflicts (2 of 4 stars). 2 submissions from 2 submitters: Uncertain significance (2). Last evaluated 2024-10-20.

Conditions:
Ehlers-Danlos syndrome, dermatosparaxis type. Also called: Dermatosparaxis; EDS VIIC; Ehlers-Danlos syndrome, type VII, autosomal recessive. Identifiers: Orphanet 1901, MedGen C2700425, MONDO:0009161, OMIM 225410.

gnomAD v4.1: 30 of 1,607,266 alleles (0.0019%); highest among the groups gnomAD compares: East Asian, 0.034%; no homozygotes.

Submissions (2):

Labcorp Genetics (formerly Invitae), Labcorp
Classification: Uncertain significance for Ehlers-Danlos syndrome, dermatosparaxis type. Last evaluated: 2024-10-20. Review status: criteria provided, single submitter. Criteria: Invitae Variant Classification Sherloc (09022015). Collection method: clinical testing. Allele origin: germline.
Comment: This sequence change replaces arginine, which is basic and polar, with histidine, which is basic and polar, at codon 972 of the ADAMTS2 protein (p.Arg972His). This variant is present in population databases (rs370478581, gnomAD 0.009%). This variant has not been reported in the literature in individuals affected with ADAMTS2-related conditions. An algorithm developed to predict the effect of missense changes on protein structure and function (PolyPhen-2) suggests that this variant is likely to be disruptive. In summary, the available evidence is currently insufficient to determine the role of this variant in disease. Therefore, it has been classified as a Variant of Uncertain Significance.

GeneDx
Classification: Uncertain significance. Last evaluated: 2024-05-13. Review status: criteria provided, single submitter. Criteria: GeneDx Variant Classification Process June 2021. Collection method: clinical testing. Allele origin: germline. Affected: yes.
Comment: Not observed at significant frequency in large population cohorts (gnomAD); In silico analysis supports that this missense variant has a deleterious effect on protein structure/function; Has not been previously published as pathogenic or benign to our knowledge

NM_014244.5(ADAMTS2):c.2915G>A (p.Arg972His)

Gene: ADAMTS2 (ADAM metallopeptidase with thrombospondin type 1 motif 2; minus strand). Cytogenetic location: 5q35.3.
Variant type: single nucleotide variant.
Coding change: c.2915G>A on transcript NM_014244.5 (MANE Select); coding-DNA position 2915, G replaced by A.
Protein change: p.Arg972His; replaces arginine 972 with histidine.
Molecular consequence: missense variant.
Genome position (GRCh38, 1-based): chr5:179,125,016, C>T on the plus strand (G>A on the coding strand, the complement: ADAMTS2 is on the minus strand). VCF-style: chr5-179125016-C-T. GRCh37 (hg19) VCF-style: chr5-178552017-C-T.
Other names: short protein forms R972H.
Identifiers: ClinVar variation 3378295 (VCV003378295.3).